The following is an entry in ClinVar:

ClinVar aggregate classification (germline): Uncertain significance (1 of 4 stars; one submission).

Conditions:
Inborn genetic diseases. Identifiers: MedGen C0950123, MeSH D030342.

Submission:

Ambry Genetics
Classification: Uncertain significance for Inborn genetic diseases. Last evaluated: 2025-04-10. Review status: criteria provided, single submitter. Criteria: Ambry Variant Classification Scheme 2023. Collection method: clinical testing. Allele origin: germline.
Comment: The p.K176N variant (also known as c.528G>C), located in coding exon 1 of the SAMD9 gene, results from a G to C substitution at nucleotide position 528. The lysine at codon 176 is replaced by asparagine, an amino acid with similar properties. This amino acid position is conserved. In addition, this alteration is predicted to be tolerated by in silico analysis. Based on the available evidence, the clinical significance of this variant remains unclear.

NM_017654.4(SAMD9):c.528G>C (p.Lys176Asn)

Gene: SAMD9 (sterile alpha motif domain containing 9; minus strand). Cytogenetic location: 7q21.2.
Variant type: single nucleotide variant.
Coding change: c.528G>C on transcript NM_017654.4 (MANE Select); coding-DNA position 528, G replaced by C.
Protein change: p.Lys176Asn; replaces lysine 176 with asparagine.
Molecular consequence: missense variant.
Genome position (GRCh38, 1-based): chr7:93,105,570, C>G on the plus strand (G>C on the coding strand, the complement: SAMD9 is on the minus strand). VCF-style: chr7-93105570-C-G. GRCh37 (hg19) VCF-style: chr7-92734883-C-G.
Other names: c.528G>C, p.Lys176Asn (NM_001193307.2); short protein forms K176N.
Identifiers: ClinVar variation 3949535 (VCV003949535.1).